The following is an entry in ClinVar:

NM_003673.4(TCAP):c.132C>T (p.Asp44=)

Gene: TCAP (titin-cap; plus strand). Cytogenetic location: 17q12.
Variant type: single nucleotide variant.
Coding change: c.132C>T on transcript NM_003673.4 (MANE Select); coding-DNA position 132, C replaced by T.
Protein change: p.Asp44=; no amino-acid change (aspartic acid 44 retained).
Molecular consequence: synonymous variant.
Genome position (GRCh38, 1-based): chr17:39,665,737, C>T. VCF-style: chr17-39665737-C-T. GRCh37 (hg19) VCF-style: chr17-37821990-C-T.
Identifiers: ClinVar variation 44703 (VCV000044703.53), dbSNP rs397516861, ClinGen allele CA134914.

ClinVar aggregate classification (germline): Conflicting classifications of pathogenicity. Review status: criteria provided, conflicting classifications (1 of 4 stars). 9 submissions from 9 submitters: Uncertain significance (1); Benign (1); Likely benign (7). Last evaluated 2026-01-27.

Conditions:
Primary familial hypertrophic cardiomyopathy (HCM). Identifiers: Orphanet 99739, MedGen C0949658, MeSH D024741, MONDO:0024573. Inheritance: Various modes of inheritance.
Hypertrophic cardiomyopathy 25 (CMH25). Also called: CARDIOMYOPATHY, FAMILIAL HYPERTROPHIC, 25. Identifiers: MedGen C4225408, MONDO:0011843, OMIM 607487.
Cardiovascular phenotype. Identifiers: MedGen CN230736.
Cardiomyopathy (CMYO). Also called: Cardiomyopathies. Identifiers: Orphanet 167848, MedGen C0878544, MONDO:0004994, HP:0001638. Inheritance: Various modes of inheritance.

Allele frequency attached by ClinVar (database versions not stated): TOPMed 0.00005; gnomAD 0.00006 and 0.00009; gnomAD exomes 0.00008 and 0.00011; ExAC 0.00017.
gnomAD v4.1: 134 of 1,610,780 alleles (0.0083%); highest among the groups gnomAD compares: Middle Eastern, 0.6%; no homozygotes.

Submissions (9):

Labcorp Genetics (formerly Invitae), Labcorp
Classification: Likely benign for Hypertrophic cardiomyopathy 25; Primary familial hypertrophic cardiomyopathy. Last evaluated: 2026-01-27. Review status: criteria provided, single submitter. Criteria: Invitae Variant Classification Sherloc (09022015). Collection method: clinical testing. Allele origin: germline.

Blueprint Genetics
Classification: Likely benign. Last evaluated: 2024-11-21. Review status: criteria provided, single submitter. Criteria: ACMG Guidelines, 2015. Collection method: clinical testing. Allele origin: germline.

CeGaT Center for Human Genetics Tuebingen
Classification: Likely benign. Last evaluated: 2023-08-01. Review status: criteria provided, single submitter. Criteria: CeGaT Center For Human Genetics Tuebingen Variant Classification Criteria Version 2. Collection method: clinical testing. Allele origin: germline. Affected: yes. Observed: 1 variant allele.
Comment: TCAP: BP4, BP7

GeneDx
Classification: Likely benign. Last evaluated: 2021-01-14. Review status: criteria provided, single submitter. Criteria: GeneDx Variant Classification Process June 2021. Collection method: clinical testing. Allele origin: germline. Affected: yes.

Women's Health and Genetics/Laboratory Corporation of America, LabCorp
Classification: Benign. Last evaluated: 2020-10-01. Review status: criteria provided, single submitter. Criteria: LabCorp Variant Classification Summary - May 2015. Collection method: clinical testing. Allele origin: germline.

CHEO Genetics Diagnostic Laboratory, Children's Hospital of Eastern Ontario
Classification: Likely benign for Cardiomyopathy. Last evaluated: 2020-05-14. Review status: criteria provided, single submitter. Criteria: ACMG Guidelines, 2015. Collection method: clinical testing. Allele origin: germline.

Ambry Genetics
Classification: Likely benign for Cardiovascular phenotype. Last evaluated: 2018-08-06. Review status: criteria provided, single submitter. Criteria: Ambry Variant Classification Scheme 2023. Collection method: clinical testing. Allele origin: germline.

Eurofins Ntd Llc (ga)
Classification: Uncertain significance. Last evaluated: 2017-01-20. Review status: criteria provided, single submitter. Criteria: EGL Classification Definitions 2015. Collection method: clinical testing. Allele origin: germline. Observed: 2 variant alleles, 1 heterozygote, 1 homozygote.

Laboratory for Molecular Medicine, Mass General Brigham Personalized Medicine
Classification: Likely benign. Last evaluated: 2015-03-18. Review status: criteria provided, single submitter. Criteria: LMM Criteria. Collection method: clinical testing. Allele origin: germline. Observed: 3 variant alleles.
Comment: p.Asp44Asp in exon 2 of TCAP: This variant is not expected to have clinical sign ificance because it does not alter an amino acid residue and is not located with in the splice consensus sequence. It has been identified in 13/52820 European ch romosomes by the Exome Aggregation Consortium (ExAC. org; dbSNP rs397516861).